The following is an entry in ClinVar:

NM_003126.4(SPTA1):c.5270G>A (p.Arg1757His)

Gene: SPTA1 (spectrin alpha, erythrocytic 1; minus strand). Cytogenetic location: 1q23.1.
Variant type: single nucleotide variant.
Coding change: c.5270G>A on transcript NM_003126.4 (MANE Select); coding-DNA position 5270, G replaced by A.
Protein change: p.Arg1757His; replaces arginine 1757 with histidine.
Molecular consequence: missense variant.
Genome position (GRCh38, 1-based): chr1:158,636,681, C>T on the plus strand (G>A on the coding strand, the complement: SPTA1 is on the minus strand). VCF-style: chr1-158636681-C-T. GRCh37 (hg19) VCF-style: chr1-158606471-C-T.
Other names: short protein forms R1757H.
Identifiers: ClinVar variation 806249 (VCV000806249.47), dbSNP rs779823270, ClinGen allele CA1182372.

ClinVar aggregate classification (germline): Uncertain significance. Review status: criteria provided, multiple submitters, no conflicts (2 of 4 stars). 5 submissions from 3 submitters: Uncertain significance (5). Last evaluated 2024-10-17.

Conditions:
Hereditary spherocytosis type 3. Also called: Spherocytosis type 3; SPTA1-Related Spherocytosis. Identifiers: Orphanet 822, MedGen C2678338, MONDO:0010053, OMIM 270970.
Elliptocytosis 2 (EL2). Also called: ELLIPTOCYTOSIS, RHESUS-UNLINKED TYPE. Identifiers: Orphanet 288, MedGen C1851741, MONDO:0007533, OMIM 130600.
Pyropoikilocytosis, hereditary. Also called: Pyropoikilocytosis. Identifiers: MedGen C0520739, MONDO:0009948, OMIM 266140, HP:0004839. Disease mechanism: loss of function.

Allele frequency attached by ClinVar (database versions not stated): TOPMed 0.00002; gnomAD 0.00003.
gnomAD v4.1: 43 of 1,614,136 alleles (0.0027%); highest among the groups gnomAD compares: East Asian, 0.011%; no homozygotes.

Submissions (5):

GeneDx
Classification: Uncertain significance. Last evaluated: 2024-10-17. Review status: criteria provided, single submitter. Criteria: GeneDx Variant Classification Process June 2021. Collection method: clinical testing. Allele origin: germline. Affected: yes.
Comment: In silico analysis supports that this missense variant has a deleterious effect on protein structure/function; Has not been previously published as pathogenic or benign to our knowledge

Illumina Laboratory Services, Illumina
Classification: Uncertain significance for Hereditary spherocytosis type 3. Last evaluated: 2018-02-09. Review status: criteria provided, single submitter. Criteria: ICSL Variant Classification Criteria 13 December 2019. Collection method: clinical testing. Allele origin: germline.

Illumina Laboratory Services, Illumina
Classification: Uncertain significance for Elliptocytosis 2. Last evaluated: 2018-02-09. Review status: criteria provided, single submitter. Criteria: ICSL Variant Classification Criteria 13 December 2019. Collection method: clinical testing. Allele origin: germline.

Illumina Laboratory Services, Illumina
Classification: Uncertain significance for Pyropoikilocytosis, hereditary. Last evaluated: 2018-02-09. Review status: criteria provided, single submitter. Criteria: ICSL Variant Classification Criteria 13 December 2019. Collection method: clinical testing. Allele origin: germline.

CeGaT Center for Human Genetics Tuebingen
Classification: Uncertain significance. Last evaluated: 2016-05-01. Review status: criteria provided, single submitter. Criteria: CeGaT Center For Human Genetics Tuebingen Variant Classification Criteria Version 2. Collection method: clinical testing. Allele origin: germline. Affected: yes. Observed: 1 variant allele.